The following is an entry in ClinVar:

ClinVar aggregate classification (germline): Uncertain significance (1 of 4 stars; one submission).

Allele frequency attached by ClinVar (database versions not stated): gnomAD exomes below 0.00001.

Submission:

GeneDx
Classification: Uncertain significance. Last evaluated: 2013-11-15. Review status: criteria provided, single submitter. Criteria: GeneDx Variant Classification (06012015). Collection method: clinical testing. Allele origin: germline. Affected: yes.
Comment: p.His102Gln (CAT>CAA): c.306 T>A in exon 5 of the DLD gene (NM_000108.3) The H102Q missense substitution has not been published as a mutation, nor has it been reported as a benign polymorphism to our knowledge. The amino acid change is non-conservative in that Histidine is a positively charged amino acid and Glutamine is an uncharged amino acid. This change occurs at a position in the DLD protein that is not highly conserved. In-silico analyses are not consistent in their predictions of whether or not H102Q is damaging to the DLD protein. Therefore, based on the currently available information, it is unclear whether H102Q is a disease-causing mutation or a rare benign variant. The variant is found in MITONUC-MITOP panel(s).

NM_000108.5(DLD):c.306T>A (p.His102Gln)

Gene: DLD (dihydrolipoamide dehydrogenase; plus strand). Cytogenetic location: 7q31.1.
Variant type: single nucleotide variant.
Coding change: c.306T>A on transcript NM_000108.5 (MANE Select); coding-DNA position 306, T replaced by A.
Protein change: p.His102Gln; replaces histidine 102 with glutamine.
Molecular consequence: missense variant.
Genome position (GRCh38, 1-based): chr7:107,903,516, T>A. VCF-style: chr7-107903516-T-A. GRCh37 (hg19) VCF-style: chr7-107543961-T-A.
Other names: p.H102Q:CAT>CAA; c.9T>A, p.His3Gln (NM_001289750.1); c.237T>A, p.His79Gln (NM_001289751.1); c.306T>A, p.His102Gln (NM_001289752.1); short protein forms H102Q, H79Q, H3Q.
Identifiers: ClinVar variation 203677 (VCV000203677.2), dbSNP rs796051950, ClinGen allele CA312457.